The following is an entry in ClinVar:

ClinVar aggregate classification (germline): Uncertain significance. Review status: criteria provided, multiple submitters, no conflicts (2 of 4 stars). 2 submissions from 2 submitters: Uncertain significance (2). Last evaluated 2025-02-02.

Conditions:
Inborn genetic diseases. Identifiers: MedGen C0950123, MeSH D030342.
Baller-Gerold syndrome (BGS). Also called: CRANIOSYNOSTOSIS WITH RADIAL DEFECTS. Identifiers: Orphanet 1225, MedGen C0265308, MONDO:0009039, OMIM 218600.

Allele frequency attached by ClinVar (database versions not stated): gnomAD exomes below 0.00001 and 0.00001; ExAC 0.00001; gnomAD 0.00001; TOPMed 0.00001.
gnomAD v4.1: 4 of 1,612,144 alleles (0.00025%); highest among the groups gnomAD compares: African/African-American, 0.0053%; no homozygotes.

Submissions (2):

Ambry Genetics
Classification: Uncertain significance for Inborn genetic diseases. Last evaluated: 2025-02-02. Review status: criteria provided, single submitter. Criteria: Ambry Variant Classification Scheme 2023. Collection method: clinical testing. Allele origin: germline.
Comment: The p.C625Y variant (also known as c.1874G>A), located in coding exon 11 of the RECQL4 gene, results from a G to A substitution at nucleotide position 1874. The cysteine at codon 625 is replaced by tyrosine, an amino acid with highly dissimilar properties. This amino acid position is conserved. In addition, this alteration is predicted to be deleterious by in silico analysis. Based on the available evidence, the clinical significance of this variant remains unclear.

Labcorp Genetics (formerly Invitae), Labcorp
Classification: Uncertain significance for Baller-Gerold syndrome. Last evaluated: 2024-04-10. Review status: criteria provided, single submitter. Criteria: Invitae Variant Classification Sherloc (09022015). Collection method: clinical testing. Allele origin: germline.
Comment: This sequence change replaces cysteine, which is neutral and slightly polar, with tyrosine, which is neutral and polar, at codon 625 of the RECQL4 protein (p.Cys625Tyr). This variant is present in population databases (rs747827741, gnomAD 0.008%). This variant has not been reported in the literature in individuals affected with RECQL4-related conditions. ClinVar contains an entry for this variant (Variation ID: 938508). Advanced modeling of protein sequence and biophysical properties (such as structural, functional, and spatial information, amino acid conservation, physicochemical variation, residue mobility, and thermodynamic stability) performed at Invitae indicates that this missense variant is expected to disrupt RECQL4 protein function with a positive predictive value of 80%. In summary, the available evidence is currently insufficient to determine the role of this variant in disease. Therefore, it has been classified as a Variant of Uncertain Significance.

NM_004260.4(RECQL4):c.1874G>A (p.Cys625Tyr)

Gene: RECQL4 (RecQ like helicase 4; minus strand). Cytogenetic location: 8q24.3.
Variant type: single nucleotide variant.
Coding change: c.1874G>A on transcript NM_004260.4 (MANE Select); coding-DNA position 1874, G replaced by A.
Protein change: p.Cys625Tyr; replaces cysteine 625 with tyrosine.
Molecular consequence: missense variant.
Genome position (GRCh38, 1-based): chr8:144,514,193, C>T on the plus strand (G>A on the coding strand, the complement: RECQL4 is on the minus strand). VCF-style: chr8-144514193-C-T. GRCh37 (hg19) VCF-style: chr8-145739577-C-T.
Other names: short protein forms C625Y.
Identifiers: ClinVar variation 938508 (VCV000938508.8), dbSNP rs747827741, ClinGen allele CA4948625.
Genomic context (GRCh38, chr8:144,514,193, plus strand): 5'-AGGCCGCCCAGCCCATCCCGGCCCTGGCCGCCCACCCCAGTTCACATATGGCTCACCTTG[C>T]AGACGCGCAGGTAGCAGGGCCGGAAGTTGTGGGACCACTGGGAGAGGCAGTGGGCCTCAT-3'
Protein context (NP_004251.4, residues 615-635): HNFRPCYLRV[Cys625Tyr]KVLRERMGVH